The following is an entry in ClinVar:

NM_015450.3(POT1):c.1077A>T (p.Gln359His)

Gene: POT1 (protection of telomeres 1; minus strand). Cytogenetic location: 7q31.33.
Variant type: single nucleotide variant.
Coding change: c.1077A>T on transcript NM_015450.3 (MANE Select); coding-DNA position 1077, A replaced by T.
Protein change: p.Gln359His; replaces glutamine 359 with histidine.
Molecular consequence: missense variant. On other transcripts: non-coding transcript variant (3).
Genome position (GRCh38, 1-based): chr7:124,842,893, T>A on the plus strand (A>T on the coding strand, the complement: POT1 is on the minus strand). VCF-style: chr7-124842893-T-A. GRCh37 (hg19) VCF-style: chr7-124482947-T-A.
Other names: c.684A>T, p.Gln228His (NM_001042594.2); short protein forms Q228H, Q359H.
Identifiers: ClinVar variation 3687617 (VCV003687617.2).

ClinVar aggregate classification (germline): Uncertain significance (1 of 4 stars; one submission).

Conditions:
Tumor predisposition syndrome 3 (TPDS3). Also called: Glioma susceptibility 9; LONG TELOMERE SYNDROME, POT1-RELATED; POT1 Tumor Predisposition; Melanoma, cutaneous malignant, susceptibility to, 10. Identifiers: Orphanet 618, MedGen C4014476, MONDO:0014368, OMIM 615848.

gnomAD v4.1: 1 of 1,610,094 alleles (0.000062%); highest among the groups gnomAD compares: Non-Finnish European, 0.000085%; no homozygotes.

Submission:

Labcorp Genetics (formerly Invitae), Labcorp
Classification: Uncertain significance for Tumor predisposition syndrome 3. Last evaluated: 2024-07-02. Review status: criteria provided, single submitter. Criteria: Invitae Variant Classification Sherloc (09022015). Collection method: clinical testing. Allele origin: germline.
Comment: This sequence change replaces glutamine, which is neutral and polar, with histidine, which is basic and polar, at codon 359 of the POT1 protein (p.Gln359His). This variant is not present in population databases (gnomAD no frequency). This variant has not been reported in the literature in individuals affected with POT1-related conditions. Advanced modeling of protein sequence and biophysical properties (such as structural, functional, and spatial information, amino acid conservation, physicochemical variation, residue mobility, and thermodynamic stability) performed at Invitae indicates that this missense variant is not expected to disrupt POT1 protein function with a negative predictive value of 80%. In summary, the available evidence is currently insufficient to determine the role of this variant in disease. Therefore, it has been classified as a Variant of Uncertain Significance.